The following is an entry in ClinVar:

NM_000452.3(SLC10A2):c.398C>G (p.Ser133Cys)

Gene: SLC10A2 (solute carrier family 10 member 2; minus strand). Cytogenetic location: 13q33.1.
Variant type: single nucleotide variant.
Coding change: c.398C>G on transcript NM_000452.3 (MANE Select); coding-DNA position 398, C replaced by G.
Protein change: p.Ser133Cys; replaces serine 133 with cysteine.
Molecular consequence: missense variant.
Genome position (GRCh38, 1-based): chr13:103,058,362, G>C on the plus strand (C>G on the coding strand, the complement: SLC10A2 is on the minus strand). VCF-style: chr13-103058362-G-C. GRCh37 (hg19) VCF-style: chr13-103710712-G-C.
Other names: short protein forms S133C.
Identifiers: ClinVar variation 1030808 (VCV001030808.4), dbSNP rs868711152, ClinGen allele CA255210597.

ClinVar aggregate classification (germline): Uncertain significance. Review status: criteria provided, multiple submitters, no conflicts (2 of 4 stars). 2 submissions from 2 submitters: Uncertain significance (2). Last evaluated 2022-11-01.

Conditions:
Bile acid malabsorption, primary, 1 (PBAM1). Also called: Bile acid malabsorption, primary. Identifiers: MedGen C5561934, MONDO:0013214, OMIM 613291.

Submissions (2):

Labcorp Genetics (formerly Invitae), Labcorp
Classification: Uncertain significance. Last evaluated: 2022-11-01. Review status: criteria provided, single submitter. Criteria: Invitae Variant Classification Sherloc (09022015). Collection method: clinical testing. Allele origin: germline.
Comment: This sequence change replaces serine, which is neutral and polar, with cysteine, which is neutral and slightly polar, at codon 133 of the SLC10A2 protein (p.Ser133Cys). This variant is not present in population databases (gnomAD no frequency). This variant has not been reported in the literature in individuals affected with SLC10A2-related conditions. ClinVar contains an entry for this variant (Variation ID: 1030808). Algorithms developed to predict the effect of missense changes on protein structure and function (SIFT, PolyPhen-2, Align-GVGD) all suggest that this variant is likely to be disruptive. Experimental studies have shown that this missense change affects SLC10A2 function (PMID: 19653651). In summary, the available evidence is currently insufficient to determine the role of this variant in disease. Therefore, it has been classified as a Variant of Uncertain Significance.

Baylor Genetics
Classification: Uncertain significance for Bile acid malabsorption, primary, 1. Last evaluated: 2020-01-31. Review status: criteria provided, single submitter. Criteria: ACMG Guidelines, 2015. Collection method: clinical testing. Allele origin: unknown. Affected: yes.
Comment: This variant was determined to be of uncertain significance according to ACMG Guidelines, 2015 [PMID:25741868].

Literature cited by the submitters: PubMed 19653651 (cited by Labcorp Genetics (formerly Invitae), Labcorp).